The following is an entry in ClinVar:

NM_000138.5(FBN1):c.5256G>A (p.Arg1752=)

Gene: FBN1 (fibrillin 1; minus strand). Cytogenetic location: 15q21.1.
Variant type: single nucleotide variant.
Coding change: c.5256G>A on transcript NM_000138.5 (MANE Select); coding-DNA position 5256, G replaced by A.
Protein change: p.Arg1752=; no amino-acid change (arginine 1752 retained).
Molecular consequence: synonymous variant.
Genome position (GRCh38, 1-based): chr15:48,460,286, C>T on the plus strand (G>A on the coding strand, the complement: FBN1 is on the minus strand). VCF-style: chr15-48460286-C-T. GRCh37 (hg19) VCF-style: chr15-48752483-C-T.
Other names: c.5256G>A, p.Arg1752= (NM_001406716.1).
Identifiers: ClinVar variation 3386786 (VCV003386786.1).

ClinVar aggregate classification (germline): Likely benign (1 of 4 stars; one submission).

Conditions:
Marfan syndrome (MFS). Also called: MARFAN SYNDROME, TYPE I; Marfan syndrome type 1; Marfan's syndrome; FBN1-Related Marfan Syndrome; Marfan syndrome, classic. Identifiers: Orphanet 284963, Orphanet 558, MedGen C0024796, MONDO:0007947, OMIM 154700.

gnomAD v4.1: 2 of 1,613,348 alleles (0.00012%); highest among the groups gnomAD compares: Admixed American, 0.0017%; no homozygotes.

Submission:

All of Us Research Program, National Institutes of Health
Classification: Likely benign for Marfan syndrome. Last evaluated: 2024-04-25. Review status: criteria provided, single submitter. Criteria: ACMG Guidelines, 2015. Collection method: clinical testing. Allele origin: germline. Inheritance: Autosomal dominant inheritance. Observed: 1 variant allele, 1 heterozygote.
Comment: This study involves interpretation of variants in research participants for the purpose of population health screening. Participant phenotype was not available at the time of variant classification. Additional details can be found in publication PMID: 35346344, PMCID: PMC8962531